The following is an entry in ClinVar:

NM_002474.3(MYH11):c.1575+6_1575+7insTGCCC

Gene: MYH11 (myosin heavy chain 11; minus strand). Cytogenetic location: 16p13.11.
Variant type: Insertion.
Coding change: c.1575+6_1575+7insTGCCC on transcript NM_002474.3 (MANE Select); bases 6 to 7 of the intron after coding-DNA position 1575, TGCCC inserted.
Molecular consequence: intron variant.
Genome position: GRCh38 VCF-style: chr16-15757820-C-CGGGCA. GRCh37 (hg19) VCF-style: chr16-15851677-C-CGGGCA.
Other names: c.1575+6_1575+7insTGCCC (NM_022844.3); c.1596+6_1596+7insTGCCC (NM_001040114.2, NM_001040113.2).
Identifiers: ClinVar variation 1904859 (VCV001904859.6), dbSNP rs781121072, ClinGen allele CA7922586.

ClinVar aggregate classification (germline): Conflicting classifications of pathogenicity. Review status: criteria provided, conflicting classifications (1 of 4 stars). 2 submissions from 2 submitters: Uncertain significance (1); Likely benign (1). Last evaluated 2024-11-11.

Conditions:
Aortic aneurysm, familial thoracic 4 (AAT4). Also called: AORTIC ANEURYSM/AORTIC DISSECTION AND PATENT DUCTUS ARTERIOSUS. Identifiers: MedGen C1851504, MONDO:0007568, OMIM 132900.

Allele frequency attached by ClinVar (database versions not stated): gnomAD 0.00001; gnomAD exomes 0.00001; ExAC 0.00010.

Submissions (2):

Labcorp Genetics (formerly Invitae), Labcorp
Classification: Uncertain significance for Aortic aneurysm, familial thoracic 4. Last evaluated: 2024-11-11. Review status: criteria provided, single submitter. Criteria: Invitae Variant Classification Sherloc (09022015). Collection method: clinical testing. Allele origin: germline.
Comment: This sequence change falls in intron 14 of the MYH11 gene. It does not directly change the encoded amino acid sequence of the MYH11 protein. It affects a nucleotide within the consensus splice site. This variant is present in population databases (rs781121072, gnomAD 0.01%). This variant has not been reported in the literature in individuals affected with MYH11-related conditions. ClinVar contains an entry for this variant (Variation ID: 1904859). Variants that disrupt the consensus splice site are a relatively common cause of aberrant splicing (PMID: 17576681, 9536098). Algorithms developed to predict the effect of sequence changes on RNA splicing suggest that this variant is not likely to affect RNA splicing. In summary, the available evidence is currently insufficient to determine the role of this variant in disease. Therefore, it has been classified as a Variant of Uncertain Significance.

Blueprint Genetics
Classification: Likely benign. Last evaluated: 2023-01-10. Review status: criteria provided, single submitter. Criteria: ACMG Guidelines, 2015. Collection method: clinical testing. Allele origin: germline.

Literature cited by the submitters: PubMed 17576681 (cited by Labcorp Genetics (formerly Invitae), Labcorp); PubMed 9536098 (cited by Labcorp Genetics (formerly Invitae), Labcorp).